The following is an entry in ClinVar:

NM_000268.4(NF2):c.17C>T (p.Ala6Val)

Gene: NF2 (NF2, moesin-ezrin-radixin like (MERLIN) tumor suppressor; plus strand). Cytogenetic location: 22q12.2.
Variant type: single nucleotide variant.
Coding change: c.17C>T on transcript NM_000268.4 (MANE Select); coding-DNA position 17, C replaced by T.
Protein change: p.Ala6Val; replaces alanine 6 with valine.
Molecular consequence: missense variant. On other transcripts: 5 prime UTR variant (4), non-coding transcript variant (1).
Genome position (GRCh38, 1-based): chr22:29,604,015, C>T. VCF-style: chr22-29604015-C-T. GRCh37 (hg19) VCF-style: chr22-30000004-C-T.
Other names: c.-214C>T (NM_001407053.1, NM_001407056.1); c.17C>T, p.Ala6Val (NM_001407054.1, NM_001407055.1, NM_001407057.1 and 15 more transcripts); c.-624C>T (NM_001407065.1); c.-240C>T (NM_001407067.1); short protein forms A6V.
Identifiers: ClinVar variation 4119214 (VCV004119214.1).
Genomic context (GRCh38, chr22:29,604,015, plus strand): 5'-TGCAGGCCGTGGGGCGCGAGGGTCCCGGGCCTGAGCCCCGCGCCATGGCCGGGGCCATCG[C>T]TTCCCGCATGAGCTTCAGCTCTCTCAAGAGGAAGCAACCCAAGACGTTCACCGTGAGGAT-3'
Protein context (NP_000259.1, residues 1-16): MAGAI[Ala6Val]SRMSFSSLKR

ClinVar aggregate classification (germline): Uncertain significance (1 of 4 stars; one submission).

Conditions:
Hereditary cancer-predisposing syndrome. Also called: Hereditary neoplastic syndrome; Neoplastic Syndromes, Hereditary; Tumor predisposition; Hereditary Cancer Syndrome. Identifiers: Orphanet 140162, MedGen C0027672, MeSH D009386, MONDO:0015356.

gnomAD v4.1: 2 of 1,591,264 alleles (0.00013%); highest among the groups gnomAD compares: Non-Finnish European, 0.00017%; no homozygotes.

Submission:

Ambry Genetics
Classification: Uncertain significance for Hereditary cancer-predisposing syndrome. Last evaluated: 2025-08-04. Review status: criteria provided, single submitter. Criteria: Ambry Variant Classification Scheme 2023. Collection method: clinical testing. Allele origin: germline.
Comment: The p.A6V variant (also known as c.17C>T), located in coding exon 1 of the NF2 gene, results from a C to T substitution at nucleotide position 17. The alanine at codon 6 is replaced by valine, an amino acid with similar properties. This amino acid position is conserved. In addition, the in silico prediction for this alteration is inconclusive. Based on the available evidence, the clinical significance of this variant remains unclear.